The following is an entry in ClinVar:

NM_001572.5(IRF7):c.173G>T (p.Arg58Leu)

Gene: IRF7 (interferon regulatory factor 7; minus strand). Cytogenetic location: 11p15.5.
Variant type: single nucleotide variant.
Coding change: c.173G>T on transcript NM_001572.5 (MANE Select); coding-DNA position 173, G replaced by T.
Protein change: p.Arg58Leu; replaces arginine 58 with leucine.
Molecular consequence: missense variant.
Genome position (GRCh38, 1-based): chr11:615,107, C>A on the plus strand (G>T on the coding strand, the complement: IRF7 is on the minus strand). VCF-style: chr11-615107-C-A. GRCh37 (hg19) VCF-style: chr11-615107-C-A.
Other names: c.212G>T, p.Arg71Leu (NM_001440440.1, NM_001440444.1, NM_004031.4); c.173G>T, p.Arg58Leu (NM_001440442.1, NM_001440445.1, NM_001440446.1 and 1 more transcripts); short protein forms R71L, R58L.
Identifiers: ClinVar variation 4772745 (VCV004772745.1).

ClinVar aggregate classification (germline): Uncertain significance (1 of 4 stars; one submission).

Conditions:
Immunodeficiency 39 (IMD39). Identifiers: Orphanet 574918, MedGen C4225358, MONDO:0014597, OMIM 616345.

Submission:

Labcorp Genetics (formerly Invitae), Labcorp
Classification: Uncertain significance for Immunodeficiency 39. Last evaluated: 2025-10-28. Review status: criteria provided, single submitter. Criteria: Invitae Variant Classification Sherloc (09022015). Collection method: clinical testing. Allele origin: germline.
Comment: This sequence change replaces arginine, which is basic and polar, with leucine, which is neutral and non-polar, at codon 71 of the IRF7 protein (p.Arg71Leu). This variant is not present in population databases (gnomAD no frequency). This variant has not been reported in the literature in individuals affected with IRF7-related conditions. Invitae Evidence Modeling of protein sequence and biophysical properties (such as structural, functional, and spatial information, amino acid conservation, physicochemical variation, residue mobility, and thermodynamic stability) indicates that this missense variant is not expected to disrupt IRF7 protein function with a negative predictive value of 80%. In summary, the available evidence is currently insufficient to determine the role of this variant in disease. Therefore, it has been classified as a Variant of Uncertain Significance.